The following is an entry in ClinVar:

NM_004183.4(BEST1):c.62T>A (p.Leu21Gln)

Gene: BEST1 (bestrophin 1; plus strand). Cytogenetic location: 11q12.3.
Variant type: single nucleotide variant.
Coding change: c.62T>A on transcript NM_004183.4 (MANE Select); coding-DNA position 62, T replaced by A.
Protein change: p.Leu21Gln; replaces leucine 21 with glutamine.
Molecular consequence: missense variant. On other transcripts: non-coding transcript variant (1), intron variant (6).
Genome position (GRCh38, 1-based): chr11:61,951,868, T>A. VCF-style: chr11-61951868-T-A. GRCh37 (hg19) VCF-style: chr11-61719340-T-A.
Other names: c.62T>A, p.Leu21Gln (NM_001363592.2, NM_001440571.1, NM_001440572.1 and 1 more transcripts); c.-29+1441T>A (NM_001139443.3, NM_001300787.2, NM_001440574.1 and 3 more transcripts); short protein forms L21Q.
Identifiers: ClinVar variation 1475465 (VCV001475465.6), dbSNP rs758726044, ClinGen allele CA380831401.

ClinVar aggregate classification (germline): Likely pathogenic (1 of 4 stars; one submission).

Submission:

Labcorp Genetics (formerly Invitae), Labcorp
Classification: Likely pathogenic. Last evaluated: 2022-09-07. Review status: criteria provided, single submitter. Criteria: Invitae Variant Classification Sherloc (09022015). Collection method: clinical testing. Allele origin: germline.
Comment: Algorithms developed to predict the effect of sequence changes on RNA splicing suggest that this variant may create or strengthen a splice site. In summary, the currently available evidence indicates that the variant is pathogenic, but additional data are needed to prove that conclusively. Therefore, this variant has been classified as Likely Pathogenic. This variant disrupts the p.Leu21 amino acid residue in BEST1. Other variant(s) that disrupt this residue have been determined to be pathogenic (PMID: 29555955; Invitae). This suggests that this residue is clinically significant, and that variants that disrupt this residue are likely to be disease-causing. Advanced modeling of protein sequence and biophysical properties (such as structural, functional, and spatial information, amino acid conservation, physicochemical variation, residue mobility, and thermodynamic stability) performed at Invitae indicates that this missense variant is expected to disrupt BEST1 protein function. ClinVar contains an entry for this variant (Variation ID: 1475465). This variant has not been reported in the literature in individuals affected with BEST1-related conditions. This variant is not present in population databases (gnomAD no frequency). This sequence change replaces leucine, which is neutral and non-polar, with glutamine, which is neutral and polar, at codon 21 of the BEST1 protein (p.Leu21Gln).

Literature cited by the submitters: PubMed 29555955.